The following is an entry in ClinVar:

NM_000179.3(MSH6):c.2076A>C (p.Lys692Asn)

Gene: MSH6 (mutS homolog 6; plus strand). Cytogenetic location: 2p16.3.
Variant type: single nucleotide variant.
Coding change: c.2076A>C on transcript NM_000179.3 (MANE Select); coding-DNA position 2076, A replaced by C.
Protein change: p.Lys692Asn; replaces lysine 692 with asparagine.
Molecular consequence: missense variant.
Genome position (GRCh38, 1-based): chr2:47,800,059, A>C. VCF-style: chr2-47800059-A-C. GRCh37 (hg19) VCF-style: chr2-48027198-A-C.
Other names: c.1686A>C, p.Lys562Asn (NM_001281492.2); c.1170A>C, p.Lys390Asn (NM_001281493.2, NM_001281494.2); short protein forms K692N, K390N, K562N.
Identifiers: ClinVar variation 936576 (VCV000936576.11), dbSNP rs1669417999, ClinGen allele CA346750807.

ClinVar aggregate classification (germline): Uncertain significance. Review status: criteria provided, multiple submitters, no conflicts (2 of 4 stars). 2 submissions from 2 submitters: Uncertain significance (2). Last evaluated 2026-01-30.

Conditions:
Hereditary nonpolyposis colorectal neoplasms. Identifiers: MedGen C0009405, MeSH D003123.
Hereditary cancer-predisposing syndrome. Also called: Tumor predisposition; Hereditary neoplastic syndrome; Hereditary Cancer Syndrome; Neoplastic Syndromes, Hereditary. Identifiers: Orphanet 140162, MedGen C0027672, MeSH D009386, MONDO:0015356.

Submissions (2):

Ambry Genetics
Classification: Uncertain significance for Hereditary cancer-predisposing syndrome. Last evaluated: 2026-01-30. Review status: criteria provided, single submitter. Criteria: Ambry Variant Classification Scheme 2023. Collection method: clinical testing. Allele origin: germline.
Comment: The p.K692N variant (also known as c.2076A>C), located in coding exon 4 of the MSH6 gene, results from an A to C substitution at nucleotide position 2076. The lysine at codon 692 is replaced by asparagine, an amino acid with similar properties. This amino acid position is highly conserved in available vertebrate species. In addition, the in silico prediction for this alteration is inconclusive. Based on the available evidence, the clinical significance of this variant remains unclear.

Labcorp Genetics (formerly Invitae), Labcorp
Classification: Uncertain significance for Hereditary nonpolyposis colorectal neoplasms. Last evaluated: 2019-10-09. Review status: criteria provided, single submitter. Criteria: Invitae Variant Classification Sherloc (09022015). Collection method: clinical testing. Allele origin: germline.
Comment: In summary, the available evidence is currently insufficient to determine the role of this variant in disease. Therefore, it has been classified as a Variant of Uncertain Significance. Algorithms developed to predict the effect of missense changes on protein structure and function are either unavailable or do not agree on the potential impact of this missense change (SIFT: "Deleterious"; PolyPhen-2: "Possibly Damaging"; Align-GVGD: "Class C0"). This sequence change replaces lysine with asparagine at codon 692 of the MSH6 protein (p.Lys692Asn). The lysine residue is highly conserved and there is a moderate physicochemical difference between lysine and asparagine. This variant is not present in population databases (ExAC no frequency). This variant has not been reported in the literature in individuals with MSH6-related conditions.